The following is an entry in ClinVar:

NM_004260.4(RECQL4):c.256G>A (p.Ala86Thr)

Gene: RECQL4 (RecQ like helicase 4; minus strand). Cytogenetic location: 8q24.3.
Variant type: single nucleotide variant.
Coding change: c.256G>A on transcript NM_004260.4 (MANE Select); coding-DNA position 256, G replaced by A.
Protein change: p.Ala86Thr; replaces alanine 86 with threonine.
Molecular consequence: missense variant.
Genome position (GRCh38, 1-based): chr8:144,517,148, C>T on the plus strand (G>A on the coding strand, the complement: RECQL4 is on the minus strand). VCF-style: chr8-144517148-C-T. GRCh37 (hg19) VCF-style: chr8-145742532-C-T.
Other names: short protein forms A86T.
Identifiers: ClinVar variation 1476524 (VCV001476524.6), dbSNP rs2130736069, ClinGen allele CA372692250.

ClinVar aggregate classification (germline): Uncertain significance (1 of 4 stars; one submission).

Conditions:
Baller-Gerold syndrome (BGS). Also called: CRANIOSYNOSTOSIS WITH RADIAL DEFECTS. Identifiers: Orphanet 1225, MedGen C0265308, MONDO:0009039, OMIM 218600.

Allele frequency attached by ClinVar (database versions not stated): gnomAD exomes below 0.00001.

Submission:

Labcorp Genetics (formerly Invitae), Labcorp
Classification: Uncertain significance for Baller-Gerold syndrome. Last evaluated: 2022-08-16. Review status: criteria provided, single submitter. Criteria: Invitae Variant Classification Sherloc (09022015). Collection method: clinical testing. Allele origin: germline.
Comment: This sequence change replaces alanine with threonine at codon 86 of the RECQL4 protein (p.Ala86Thr). The alanine residue is moderately conserved and there is a small physicochemical difference between alanine and threonine. This variant is not present in population databases (gnomAD no frequency). This variant has not been reported in the literature in individuals affected with RECQL4-related conditions. ClinVar contains an entry for this variant (Variation ID: 1476524). Experimental studies and prediction algorithms are not available or were not evaluated, and the functional significance of this variant is currently unknown. In summary, the available evidence is currently insufficient to determine the role of this variant in disease. Therefore, it has been classified as a Variant of Uncertain Significance.